The following is an entry in ClinVar:

NM_018076.5(ODAD2):c.1173C>T (p.Asp391=)

Gene: ODAD2 (outer dynein arm docking complex subunit 2; minus strand). Cytogenetic location: 10p12.1.
Variant type: single nucleotide variant.
Coding change: c.1173C>T on transcript NM_018076.5 (MANE Select); coding-DNA position 1173, C replaced by T.
Protein change: p.Asp391=; no amino-acid change (aspartic acid 391 retained).
Molecular consequence: synonymous variant. On other transcripts: intron variant (1).
Genome position (GRCh38, 1-based): chr10:27,968,988, G>A on the plus strand (C>T on the coding strand, the complement: ODAD2 is on the minus strand). VCF-style: chr10-27968988-G-A. GRCh37 (hg19) VCF-style: chr10-28257917-G-A.
Other names: c.1173C>T, p.Asp391= (NM_001290020.2); c.249C>T, p.Asp83= (NM_001312689.2); c.-187-7273C>T (NM_001290021.2).
Identifiers: ClinVar variation 3048574 (VCV003048574.2), dbSNP rs1848653176, ClinGen allele CA468756053.

ClinVar aggregate classification (germline): Likely benign (0 of 4 stars; one submission).

Conditions:
ODAD2-related disorder. Also called: ODAD2-related condition.

Allele frequency attached by ClinVar (database versions not stated): gnomAD exomes below 0.00001.
gnomAD v4.1: 1 of 638,880 alleles (0.00016%); highest among the groups gnomAD compares: East Asian, 0.0028%; no homozygotes.

Submission:

PreventionGenetics, part of Exact Sciences
Classification: Likely benign for ODAD2-related condition. Last evaluated: 2022-12-08. Review status: no assertion criteria provided. Collection method: clinical testing. Allele origin: germline.
Comment: This variant is classified as likely benign based on ACMG/AMP sequence variant interpretation guidelines (Richards et al. 2015 PMID: 25741868, with internal and published modifications).